The following is an entry in ClinVar:

NM_002693.3(POLG):c.159delinsGCAACAGCAGCCT (p.Gln55_Pro56insGlnProGlnGln)

Genes: POLGARF (POLG alternative reading frame; minus strand), POLG (DNA polymerase gamma, catalytic subunit; minus strand). Cytogenetic location: 15q26.1.
Variant type: Indel.
Coding change: c.159delinsGCAACAGCAGCCT on transcript NM_002693.3 (MANE Select); coding-DNA position 159, A replaced by GCAACAGCAGCCT.
Protein change: p.Gln55_Pro56insGlnProGlnGln.
Molecular consequence: inframe insertion.
Genome position (GRCh38, 1-based): chr15:89,333,596, T replaced by AGGCTGCTGTTGC on the plus strand (A replaced by GCAACAGCAGCCT on the coding strand, the reverse complement: POLG is on the minus strand). VCF-style: chr15-89333596-T-AGGCTGCTGTTGC. GRCh37 (hg19) VCF-style: chr15-89876827-T-AGGCTGCTGTTGC.
Other names: c.159delinsGCAACAGCAGCCT, p.Gln55_Pro56insGlnProGlnGln (NM_001126131.2).
Identifiers: ClinVar variation 648340 (VCV000648340.6), dbSNP rs1596362608, ClinGen allele CA915946108.

ClinVar aggregate classification (germline): Uncertain significance (1 of 4 stars; one submission).

Conditions:
Progressive sclerosing poliodystrophy (MTDPS4A). Also called: Alpers-Huttenlocher Syndrome (AHS); Alpers Syndrome; ALPERS PROGRESSIVE INFANTILE POLIODYSTROPHY; Mitochondrial DNA depletion syndrome 4A (Alpers type); ALPERS DIFFUSE DEGENERATION OF CEREBRAL GRAY MATTER WITH HEPATIC CIRRHOSIS; Alpers-Huttenlocher Syndrome. Identifiers: Orphanet 726, MedGen C0205710, MONDO:0008758, OMIM 203700.

Submission:

Labcorp Genetics (formerly Invitae), Labcorp
Classification: Uncertain significance for Progressive sclerosing poliodystrophy. Last evaluated: 2018-09-06. Review status: criteria provided, single submitter. Criteria: Invitae Variant Classification Sherloc (09022015). Collection method: clinical testing. Allele origin: germline.
Comment: This variant, c.159delinsGCAACAGCAGCCT, results in the insertion of 4 amino acids to the POLG protein (p.Gln55_Pro56insGlnProGlnGln), but otherwise preserves the integrity of the reading frame. This variant is not present in population databases (ExAC no frequency). This variant has not been reported in the literature in individuals with POLG-related disease. Experimental studies and prediction algorithms are not available for this variant, and the functional significance of the affected amino acid(s) is currently unknown. In summary, the available evidence is currently insufficient to determine the role of this variant in disease. Therefore, it has been classified as a Variant of Uncertain Significance.